The following is an entry in ClinVar:

NM_022455.5(NSD1):c.1562A>G (p.His521Arg)

Gene: NSD1 (nuclear receptor binding SET domain protein 1; plus strand). Cytogenetic location: 5q35.3.
Variant type: single nucleotide variant.
Coding change: c.1562A>G on transcript NM_022455.5 (MANE Select); coding-DNA position 1562, A replaced by G.
Protein change: p.His521Arg; replaces histidine 521 with arginine.
Molecular consequence: missense variant.
Genome position (GRCh38, 1-based): chr5:177,209,961, A>G. VCF-style: chr5-177209961-A-G. GRCh37 (hg19) VCF-style: chr5-176636962-A-G.
Other names: c.689A>G, p.His230Arg (NM_001365684.2, NM_001409306.1, NM_001409307.1 and 3 more transcripts); c.1562A>G, p.His521Arg (NM_001409301.1, NM_001409302.1, NM_001409303.1); c.1142A>G, p.His381Arg (NM_001409304.1); c.809A>G, p.His270Arg (NM_001409305.1); short protein forms H230R, H252R, H270R, H381R, H521R.
Identifiers: ClinVar variation 1706997 (VCV001706997.2), dbSNP rs2480445285, ClinGen allele CA362310298.

ClinVar aggregate classification (germline): Uncertain significance (1 of 4 stars; one submission).

Submission:

GeneDx
Classification: Uncertain significance. Last evaluated: 2022-03-21. Review status: criteria provided, single submitter. Criteria: GeneDx Variant Classification Process June 2021. Collection method: clinical testing. Allele origin: germline. Affected: yes.
Comment: Has not been previously published as pathogenic or benign to our knowledge; Not observed at significant frequency in large population cohorts (gnomAD); In silico analysis supports that this missense variant does not alter protein structure/function